The following is an entry in ClinVar:

ClinVar aggregate classification (germline): Pathogenic (1 of 4 stars; one submission).

Submission:

Labcorp Genetics (formerly Invitae), Labcorp
Classification: Pathogenic. Last evaluated: 2023-03-26. Review status: criteria provided, single submitter. Criteria: Invitae Variant Classification Sherloc (09022015). Collection method: clinical testing. Allele origin: germline.
Comment: This variant is not present in population databases (gnomAD no frequency). For these reasons, this variant has been classified as Pathogenic. This variant has not been reported in the literature in individuals affected with PLS3-related conditions. This sequence change creates a premature translational stop signal (p.Thr381Serfs*12) in the PLS3 gene. It is expected to result in an absent or disrupted protein product. Loss-of-function variants in PLS3 are known to be pathogenic (PMID: 24088043, 30405713, 33166085).

Literature cited by the submitters: PubMed 24088043; PubMed 30405713; PubMed 33166085.

NM_005032.7(PLS3):c.1142_1145del (p.Thr381fs)

Gene: PLS3 (plastin 3; plus strand). Cytogenetic location: Xq23.
Variant type: Microsatellite.
Coding change: c.1142_1145del on transcript NM_005032.7 (MANE Select); coding-DNA positions 1142 to 1145, 4 bases deleted (CTAA; older notation c.1142_1145delCTAA).
Protein change: p.Thr381fs; shifts the reading frame from threonine 381.
Molecular consequence: frameshift variant.
Genome position (GRCh38, 1-based): chrX:115,643,467-115,643,470, CTAA deleted; deleting any 4 consecutive bases within chrX:115,643,462-115,643,470 gives the same sequence; the c. name uses the placement nearest the transcript's 3' end. VCF-style (leftmost placement, unchanged base first): chrX-115643461-CACTA-C. GRCh37 (hg19) VCF-style: chrX-114877773-CACTA-C.
Other names: c.1061_1064del, p.Thr354fs (NM_001172335.3); c.1103_1106del, p.Thr368fs (NM_001282337.2); c.1007_1010del, p.Thr336fs (NM_001282338.2); c.1142_1145del, p.Thr381fs (NM_001136025.5); short protein forms T354fs, T368fs, T336fs, T381fs.
Identifiers: ClinVar variation 3008381 (VCV003008381.3), dbSNP rs2521522053, ClinGen allele CA2740092262.